The following is an entry in ClinVar:

NM_020312.4(COQ9):c.805A>T (p.Thr269Ser)

Gene: COQ9 (coenzyme Q9; plus strand). Cytogenetic location: 16q21.
Variant type: single nucleotide variant.
Coding change: c.805A>T on transcript NM_020312.4 (MANE Select); coding-DNA position 805, A replaced by T.
Protein change: p.Thr269Ser; replaces threonine 269 with serine.
Molecular consequence: missense variant.
Genome position (GRCh38, 1-based): chr16:57,459,658, A>T. VCF-style: chr16-57459658-A-T. GRCh37 (hg19) VCF-style: chr16-57493570-A-T.
Other names: short protein forms T269S.
Identifiers: ClinVar variation 5005609 (VCV005005609.2).
Genomic context (GRCh38, chr16:57,459,658, plus strand): 5'-GCCATCTACAACACAACAGAGCTGGTGATGATGCAGGACTCCTCTCCAGACTTTGAGGAC[A>T]CTTGGCGCTTCCTGGAAAACCGGGTTAATGATGCAATGAACATGGGCCACACTGCCAAGC-3'
Protein context (NP_064708.1, residues 259-279): MQDSSPDFED[Thr269Ser]WRFLENRVND

ClinVar aggregate classification (germline): Uncertain significance (1 of 4 stars; one submission).

Conditions:
Encephalopathy-hypertrophic cardiomyopathy-renal tubular disease syndrome. Identifiers: Orphanet 319678, MedGen C3553374, MONDO:0013840, OMIM 614654.

gnomAD v4.1: 2 of 1,614,068 alleles (0.00012%); highest among the groups gnomAD compares: East Asian, 0.0045%; no homozygotes.

Submission:

Juno Genomics, Hangzhou Juno Genomics, Inc
Classification: Uncertain significance for Encephalopathy-hypertrophic cardiomyopathy-renal tubular disease syndrome. Review status: criteria provided, single submitter. Criteria: ACMG Guidelines, 2015. Collection method: clinical testing. Allele origin: germline.
Comment: Absent from controls (or at extremely low frequency if recessive) in Genome Aggregation Database.;Multiple lines of computational evidence support a deleterious effect on the gene or gene product.